The following is an entry in ClinVar:

ClinVar aggregate classification (germline): Uncertain significance (1 of 4 stars; one submission).

Conditions:
Hereditary cancer-predisposing syndrome. Also called: Tumor predisposition; Hereditary neoplastic syndrome; Neoplastic Syndromes, Hereditary; Hereditary Cancer Syndrome. Identifiers: Orphanet 140162, MedGen C0027672, MeSH D009386, MONDO:0015356.

gnomAD v4.1: 2 of 1,613,452 alleles (0.00012%); highest among the groups gnomAD compares: Non-Finnish European, 0.00017%; no homozygotes.

Submission:

Ambry Genetics
Classification: Uncertain significance for Hereditary cancer-predisposing syndrome. Last evaluated: 2025-03-19. Review status: criteria provided, single submitter. Criteria: Ambry Variant Classification Scheme 2023. Collection method: clinical testing. Allele origin: germline.
Comment: The p.P1073L variant (also known as c.3218C>T), located in coding exon 27 of the EGFR gene, results from a C to T substitution at nucleotide position 3218. The proline at codon 1073 is replaced by leucine, an amino acid with similar properties. This amino acid position is conserved. In addition, the in silico prediction for this alteration is inconclusive. Based on the available evidence, the clinical significance of this variant remains unclear.

NM_005228.5(EGFR):c.3218C>T (p.Pro1073Leu)

Gene: EGFR (epidermal growth factor receptor; plus strand). Cytogenetic location: 7p11.2.
Variant type: single nucleotide variant.
Coding change: c.3218C>T on transcript NM_005228.5 (MANE Select); coding-DNA position 3218, C replaced by T.
Protein change: p.Pro1073Leu; replaces proline 1073 with leucine.
Molecular consequence: missense variant.
Genome position (GRCh38, 1-based): chr7:55,202,572, C>T. VCF-style: chr7-55202572-C-T. GRCh37 (hg19) VCF-style: chr7-55270265-C-T.
Other names: c.3083C>T, p.Pro1028Leu (NM_001346897.2, NM_001346899.2); c.3218C>T, p.Pro1073Leu (NM_001346898.2); c.3059C>T, p.Pro1020Leu (NM_001346900.2); c.2417C>T, p.Pro806Leu (NM_001346941.2); short protein forms P1028L, P1020L, P1073L, P806L.
Identifiers: ClinVar variation 4016692 (VCV004016692.1).